The following is an entry in ClinVar:

ClinVar aggregate classification (germline): Uncertain significance. Review status: criteria provided, multiple submitters, no conflicts (2 of 4 stars). 2 submissions from 2 submitters: Uncertain significance (2). Last evaluated 2025-01-27.

Conditions:
Inborn genetic diseases. Identifiers: MedGen C0950123, MeSH D030342.

Allele frequency attached by ClinVar (database versions not stated): gnomAD exomes 0.00010; ExAC 0.00014; ESP Exome Variant Server 0.00016; TOPMed 0.00019; gnomAD 0.00024 and 0.00025.
gnomAD v4.1: 350 of 1,613,572 alleles (0.022%); highest among the groups gnomAD compares: Non-Finnish European, 0.028%; no homozygotes.

Submissions (2):

Labcorp Genetics (formerly Invitae), Labcorp
Classification: Uncertain significance. Last evaluated: 2025-01-27. Review status: criteria provided, single submitter. Criteria: Invitae Variant Classification Sherloc (09022015). Collection method: clinical testing. Allele origin: germline.
Comment: This sequence change replaces histidine, which is basic and polar, with arginine, which is basic and polar, at codon 65 of the TUBGCP4 protein (p.His65Arg). This variant is present in population databases (rs373079822, gnomAD 0.02%). This variant has not been reported in the literature in individuals affected with TUBGCP4-related conditions. ClinVar contains an entry for this variant (Variation ID: 853960). An algorithm developed to predict the effect of missense changes on protein structure and function (PolyPhen-2) suggests that this variant¬†is likely to be tolerated. In summary, the available evidence is currently insufficient to determine the role of this variant in disease. Therefore, it has been classified as a Variant of Uncertain Significance.

Ambry Genetics
Classification: Uncertain significance for Inborn genetic diseases. Last evaluated: 2021-05-25. Review status: criteria provided, single submitter. Criteria: Ambry Variant Classification Scheme 2023. Collection method: clinical testing. Allele origin: germline.

NM_014444.5(TUBGCP4):c.194A>G (p.His65Arg)

Gene: TUBGCP4 (tubulin gamma complex component 4; plus strand). Cytogenetic location: 15q15.3.
Variant type: single nucleotide variant.
Coding change: c.194A>G on transcript NM_014444.5 (MANE Select); coding-DNA position 194, A replaced by G.
Protein change: p.His65Arg; replaces histidine 65 with arginine.
Molecular consequence: missense variant.
Genome position (GRCh38, 1-based): chr15:43,376,213, A>G. VCF-style: chr15-43376213-A-G. GRCh37 (hg19) VCF-style: chr15-43668411-A-G.
Other names: c.194A>G, p.His65Arg (NM_001286414.3); c.194A>G (NM_014444.2); short protein forms H65R.
Identifiers: ClinVar variation 853960 (VCV000853960.6), dbSNP rs373079822, ClinGen allele CA7523681.
Genomic context (GRCh38, chr15:43,376,213, plus strand): 5'-TCTGCCGGCTCGGCACAGACTATATTCGCTTCACTGAGTTCATTGAACAGTACACGGGCC[A>G]TGTGCAACAGCAGGTGGGTCCTGTTCTCTGTGGGTGTACACCTCTAGAGGGCAGGAGCTA-3'
Protein context (NP_055259.2, residues 55-75): FTEFIEQYTG[His65Arg]VQQQDHHPSQ